The following is an entry in ClinVar:

NM_000388.4(CASR):c.3062C>G (p.Thr1021Arg)

Gene: CASR (calcium sensing receptor; plus strand). Cytogenetic location: 3q21.1.
Variant type: single nucleotide variant.
Coding change: c.3062C>G on transcript NM_000388.4 (MANE Select); coding-DNA position 3062, C replaced by G.
Protein change: p.Thr1021Arg; replaces threonine 1021 with arginine.
Molecular consequence: missense variant.
Genome position (GRCh38, 1-based): chr3:122,285,016, C>G. VCF-style: chr3-122285016-C-G. GRCh37 (hg19) VCF-style: chr3-122003863-C-G.
Other names: c.3062C>G (NM_000388.3); c.3092C>G, p.Thr1031Arg (NM_001178065.2); short protein forms T1021R, T1031R.
Identifiers: ClinVar variation 1358593 (VCV001358593.9), dbSNP rs759009566, ClinGen allele CA82749519.
Genomic context (GRCh38, chr3:122,285,016, plus strand): 5'-AGAAAAGCAGCGATACGCTGACCCGACACGAGCCATTACTCCCGCTGCAGTGCGGGGAAA[C>G]GGACTTAGATCTGACCGTCCAGGAAACAGGTCTGCAAGGACCTGTGGGTGGAGACCAGCG-3'
Protein context (NP_000379.3, residues 1011-1031): EPLLPLQCGE[Thr1021Arg]DLDLTVQETG

ClinVar aggregate classification (germline): Uncertain significance. Review status: criteria provided, multiple submitters, no conflicts (2 of 4 stars). 2 submissions from 2 submitters: Uncertain significance (2). Last evaluated 2023-10-08.

Conditions:
Nephrolithiasis/nephrocalcinosis. Identifiers: MedGen CN580796.
Familial hypocalciuric hypercalcemia (FHH). Also called: Familial benign hypercalcemia. Identifiers: Orphanet 405, MedGen C1809471, MONDO:0018458.
Autosomal dominant hypocalcemia 1 (HYPOC1). Also called: HYPOCALCEMIA, FAMILIAL. Identifiers: MedGen C3715128, MONDO:0011013, OMIM 601198.

gnomAD v4.1: 6 of 1,614,092 alleles (0.00037%); highest among the groups gnomAD compares: Non-Finnish European, 0.00051%; no homozygotes.

Submissions (2):

Labcorp Genetics (formerly Invitae), Labcorp
Classification: Uncertain significance for Familial hypocalciuric hypercalcemia; Autosomal dominant hypocalcemia 1. Last evaluated: 2023-10-08. Review status: criteria provided, single submitter. Criteria: Invitae Variant Classification Sherloc (09022015). Collection method: clinical testing. Allele origin: germline.
Comment: This sequence change replaces threonine, which is neutral and polar, with arginine, which is basic and polar, at codon 1021 of the CASR protein (p.Thr1021Arg). This variant is present in population databases (no rsID available, gnomAD 0.002%). This variant has not been reported in the literature in individuals affected with CASR-related conditions. ClinVar contains an entry for this variant (Variation ID: 1358593). An algorithm developed to predict the effect of missense changes on protein structure and function (PolyPhen-2) suggests that this variant is likely to be tolerated. In summary, the available evidence is currently insufficient to determine the role of this variant in disease. Therefore, it has been classified as a Variant of Uncertain Significance.

Ambry Genetics
Classification: Uncertain significance for Nephrolithiasis/nephrocalcinosis. Last evaluated: 2022-12-18. Review status: criteria provided, single submitter. Criteria: Ambry Variant Classification Scheme 2023. Collection method: clinical testing. Allele origin: germline.
Comment: The p.T1021R variant (also known as c.3062C>G), located in coding exon 6 of the CASR gene, results from a C to G substitution at nucleotide position 3062. The threonine at codon 1021 is replaced by arginine, an amino acid with similar properties. This amino acid position is conserved. In addition, this alteration is predicted to be tolerated by in silico analysis. Since supporting evidence is limited at this time, the clinical significance of this alteration remains unclear.